The following is an entry in ClinVar:

NM_147127.5(EVC2):c.3360+1G>A

Gene: EVC2 (EvC ciliary complex subunit 2; minus strand). Cytogenetic location: 4p16.2.
Variant type: single nucleotide variant.
Coding change: c.3360+1G>A on transcript NM_147127.5 (MANE Select); the canonical splice donor site of the intron after coding-DNA position 3360, G replaced by A.
Molecular consequence: splice donor variant.
Genome position (GRCh38, 1-based): chr4:5,574,684, C>T on the plus strand (G>A on the coding strand, the complement: EVC2 is on the minus strand). VCF-style: chr4-5574684-C-T. GRCh37 (hg19) VCF-style: chr4-5576411-C-T.
Other names: c.3120+1G>A (NM_001166136.2).
Identifiers: ClinVar variation 446666 (VCV000446666.7), dbSNP rs1553815019, ClinGen allele CA356150501.

ClinVar aggregate classification (germline): Pathogenic. Review status: criteria provided, multiple submitters, no conflicts (2 of 4 stars). 5 submissions from 5 submitters: Pathogenic (2). 3 of the submissions do not count toward it. Last evaluated 2024-11-12.

Conditions:
Jeune thoracic dystrophy. Also called: Short-rib thoracic dysplasia; Jeune syndrome; Infantile thoracic dystrophy; Thoracic pelvic phalangeal dystrophy; Jeune's syndrome; Chondroectodermal dysplasia-like syndrome. Identifiers: Orphanet 474, MedGen C0265275, MONDO:0018770.
Curry-Hall syndrome (WAD). Also called: WEYERS ACRODENTAL DYSOSTOSIS. Identifiers: Orphanet 952, MedGen C0457013, MONDO:0008673, OMIM 193530.
Ellis-van Creveld syndrome (EVC). Also called: Chondroectodermal dysplasia; MESOECTODERMAL DYSPLASIA; EVC-Related Ellis-van Creveld Syndrome; EVC2-Related Ellis-van Creveld Syndrome. Identifiers: Orphanet 289, MedGen C0013903, MONDO:0009162, OMIM 225500.

Allele frequency attached by ClinVar (database versions not stated): gnomAD exomes below 0.00001.
gnomAD v4.1: 1 of 1,614,132 alleles (0.000062%); highest among the groups gnomAD compares: Non-Finnish European, 0.000085%; no homozygotes.

Submissions (5):

Labcorp Genetics (formerly Invitae), Labcorp
Classification: Pathogenic for Curry-Hall syndrome; Ellis-van Creveld syndrome. Last evaluated: 2024-11-12. Review status: criteria provided, single submitter. Criteria: Invitae Variant Classification Sherloc (09022015). Collection method: clinical testing. Allele origin: germline.
Comment: This sequence change affects a donor splice site in intron 19 of the EVC2 gene. It is expected to disrupt RNA splicing. Variants that disrupt the donor or acceptor splice site typically lead to a loss of protein function (PMID: 16199547), and loss-of-function variants in EVC2 are known to be pathogenic (PMID: 17024374, 19810119, 19876929). This variant is not present in population databases (gnomAD no frequency). Disruption of this splice site has been observed in individuals with autosomal recessive EVC2-related conditions (PMID: 19810119, 29068549). ClinVar contains an entry for this variant (Variation ID: 446666). Algorithms developed to predict the effect of sequence changes on RNA splicing suggest that this variant may disrupt the consensus splice site. For these reasons, this variant has been classified as Pathogenic.

Fulgent Genetics
Classification: Pathogenic for Curry-Hall syndrome; Ellis-van Creveld syndrome. Last evaluated: 2024-05-08. Review status: criteria provided, single submitter. Criteria: ACMG Guidelines, 2015. Collection method: clinical testing. Allele origin: germline.

Counsyl
Classification: Likely pathogenic for Ellis-van Creveld syndrome. Last evaluated: 2018-03-27. Review status: no assertion criteria provided. Collection method: clinical testing. Allele origin: unknown. Not counted in ClinVar's aggregate classification.

Dan Cohn Lab, University Of California Los Angeles
Classification: Pathogenic for Asphyxiating thoracic dystrophy. Last evaluated: 2017-06-01. Review status: no assertion criteria provided. Collection method: research. Allele origin: unknown. Affected: yes. Not counted in ClinVar's aggregate classification.

University of Washington Center for Mendelian Genomics, University of Washington
Classification: Likely pathogenic for asphyxiating thoracic dystrophy. Review status: no assertion criteria provided. Collection method: research. Allele origin: inherited. Affected: yes. Not counted in ClinVar's aggregate classification.

Literature cited by the submitters: PubMed 16199547 (cited by Labcorp Genetics (formerly Invitae), Labcorp); PubMed 17024374 (cited by Labcorp Genetics (formerly Invitae), Labcorp); PubMed 19810119 (cited by Labcorp Genetics (formerly Invitae), Labcorp and Counsyl); PubMed 19876929 (cited by Labcorp Genetics (formerly Invitae), Labcorp); PubMed 29068549 (cited by 3 submitters).